The following is an entry in ClinVar:

ClinVar aggregate classification (germline): Pathogenic (1 of 4 stars; one submission).

Submission:

Labcorp Genetics (formerly Invitae), Labcorp
Classification: Pathogenic. Last evaluated: 2021-06-06. Review status: criteria provided, single submitter. Criteria: Invitae Variant Classification Sherloc (09022015). Collection method: clinical testing. Allele origin: germline.
Comment: This sequence change creates a premature translational stop signal (p.Glu216Argfs*79) in the DDX3X gene. It is expected to result in an absent or disrupted protein product. Loss-of-function variants in DDX3X are known to be pathogenic (PMID: 26235985). This variant is not present in population databases (ExAC no frequency). This variant has not been reported in the literature in individuals with DDX3X-related conditions. For these reasons, this variant has been classified as Pathogenic.

Literature cited by the submitters: PubMed 26235985.

NM_001356.5(DDX3X):c.645dup (p.Glu216fs)

Gene: DDX3X (DEAD-box helicase 3 X-linked; plus strand). Cytogenetic location: Xp11.4.
Variant type: Duplication.
Coding change: c.645dup on transcript NM_001356.5 (MANE Select); coding-DNA position 645, one base duplicated (A; older notation c.645dupA).
Protein change: p.Glu216fs; shifts the reading frame from glutamic acid 216.
Molecular consequence: frameshift variant. On other transcripts: non-coding transcript variant (1).
Genome position (GRCh38, 1-based): chrX:41,343,317, A duplicated; the last of 3 consecutive A bases (chrX:41,343,315-41,343,317); duplicating any one gives the same sequence. VCF-style (leftmost placement, unchanged base first): chrX-41343314-C-CA. GRCh37 (hg19) VCF-style: chrX-41202567-C-CA.
Other names: c.645dup, p.Glu216fs (NM_001193416.3); c.597dup, p.Glu200fs (NM_001193417.3); c.87dup, p.Glu30fs (NM_001363819.1); short protein forms E200fs, E216fs, E30fs.
Identifiers: ClinVar variation 1455310 (VCV001455310.6), dbSNP rs2147351858, ClinGen allele CA2573158701.